The following is an entry in ClinVar:

NM_177438.3(DICER1):c.3463A>G (p.Thr1155Ala)

Gene: DICER1 (dicer 1, ribonuclease III; minus strand). Cytogenetic location: 14q32.13.
Variant type: single nucleotide variant.
Coding change: c.3463A>G on transcript NM_177438.3 (MANE Select); coding-DNA position 3463, A replaced by G.
Protein change: p.Thr1155Ala; replaces threonine 1155 with alanine.
Molecular consequence: missense variant.
Genome position (GRCh38, 1-based): chr14:95,103,933, T>C on the plus strand (A>G on the coding strand, the complement: DICER1 is on the minus strand). VCF-style: chr14-95103933-T-C. GRCh37 (hg19) VCF-style: chr14-95570270-T-C.
Other names: c.3463A>G, p.Thr1155Ala (NM_001195573.1, NM_001271282.3, NM_001291628.2 and 1 more transcripts); short protein forms T1155A.
Identifiers: ClinVar variation 949394 (VCV000949394.13), dbSNP rs1595366822, ClinGen allele CA390875325.

ClinVar aggregate classification (germline): Uncertain significance. Review status: criteria provided, multiple submitters, no conflicts (2 of 4 stars). 2 submissions from 2 submitters: Uncertain significance (2). Last evaluated 2025-09-15.

Conditions:
DICER1-related tumor predisposition. Also called: DICER1 syndrome; DICER1-related pleuropulmonary blastoma cancer predisposition syndrome. Identifiers: Orphanet 284343, MedGen C3839822, MONDO:0100216.
Hereditary cancer-predisposing syndrome. Also called: Hereditary neoplastic syndrome; Tumor predisposition; Neoplastic Syndromes, Hereditary; Hereditary Cancer Syndrome. Identifiers: Orphanet 140162, MedGen C0027672, MeSH D009386, MONDO:0015356.

Submissions (2):

Labcorp Genetics (formerly Invitae), Labcorp
Classification: Uncertain significance for DICER1-related tumor predisposition. Last evaluated: 2025-09-15. Review status: criteria provided, single submitter. Criteria: Invitae Variant Classification Sherloc (09022015). Collection method: clinical testing. Allele origin: germline.
Comment: This sequence change replaces threonine, which is neutral and polar, with alanine, which is neutral and non-polar, at codon 1155 of the DICER1 protein (p.Thr1155Ala). This variant is not present in population databases (gnomAD no frequency). This variant has not been reported in the literature in individuals affected with DICER1-related conditions. ClinVar contains an entry for this variant (Variation ID: 949394). Invitae Evidence Modeling of protein sequence and biophysical properties (such as structural, functional, and spatial information, amino acid conservation, physicochemical variation, residue mobility, and thermodynamic stability) indicates that this missense variant is not expected to disrupt DICER1 protein function with a negative predictive value of 95%. In summary, the available evidence is currently insufficient to determine the role of this variant in disease. Therefore, it has been classified as a Variant of Uncertain Significance.

Ambry Genetics
Classification: Uncertain significance for Hereditary cancer-predisposing syndrome. Last evaluated: 2020-03-12. Review status: criteria provided, single submitter. Criteria: Ambry Variant Classification Scheme 2023. Collection method: clinical testing. Allele origin: germline.
Comment: The p.T1155A variant (also known as c.3463A>G), located in coding exon 20 of the DICER1 gene, results from an A to G substitution at nucleotide position 3463. The threonine at codon 1155 is replaced by alanine, an amino acid with similar properties. This amino acid position is poorly conserved in available vertebrate species. In addition, this alteration is predicted to be tolerated by in silico analysis. Since supporting evidence is limited at this time, the clinical significance of this alteration remains unclear.